The following is an entry in ClinVar:

ClinVar aggregate classification (germline): Uncertain significance. Review status: criteria provided, multiple submitters, no conflicts (2 of 4 stars). 2 submissions from 2 submitters: Uncertain significance (2). Last evaluated 2021-11-09.

Conditions:
Inborn genetic diseases. Identifiers: MedGen C0950123, MeSH D030342.

gnomAD v4.1: 3 of 1,536,340 alleles (0.0002%); highest among the groups gnomAD compares: South Asian, 0.0013%; no homozygotes.

Submissions (2):

Ambry Genetics
Classification: Uncertain significance for Inborn genetic diseases. Last evaluated: 2021-11-09. Review status: criteria provided, single submitter. Criteria: Ambry Variant Classification Scheme 2023. Collection method: clinical testing. Allele origin: germline.

GeneDx
Classification: Uncertain significance. Last evaluated: 2019-12-12. Review status: criteria provided, single submitter. Criteria: GeneDx Variant Classification Process June 2021. Collection method: clinical testing. Allele origin: germline. Affected: yes.
Comment: Not observed in large population cohorts (Lek et al., 2016); In silico analysis, which includes protein predictors and evolutionary conservation, supports that this variant does not alter protein structure/function; Has not been previously published as pathogenic or benign to our knowledge

NM_018896.5(CACNA1G):c.5756C>T (p.Ser1919Phe)

Gene: CACNA1G (calcium voltage-gated channel subunit alpha1 G; plus strand). Cytogenetic location: 17q21.33.
Variant type: single nucleotide variant.
Coding change: c.5756C>T on transcript NM_018896.5 (MANE Select); coding-DNA position 5756, C replaced by T.
Protein change: p.Ser1919Phe; replaces serine 1919 with phenylalanine.
Molecular consequence: missense variant. On other transcripts: non-coding transcript variant (5).
Genome position (GRCh38, 1-based): chr17:50,618,983, C>T. VCF-style: chr17-50618983-C-T. GRCh37 (hg19) VCF-style: chr17-48696344-C-T.
Other names: c.5702C>T, p.Ser1901Phe (NM_001256324.2, NM_198386.3); c.5777C>T, p.Ser1926Phe (NM_001256325.2); c.5621C>T, p.Ser1874Phe (NM_001256326.2, NM_001256330.2); c.5735C>T, p.Ser1912Phe (NM_001256327.2); c.5681C>T, p.Ser1894Phe (NM_001256328.2); c.5654C>T, p.Ser1885Phe (NM_001256329.2, NM_198376.3, NM_198379.3 and 2 more transcripts); c.5600C>T, p.Ser1867Phe (NM_001256331.2); c.5585C>T, p.Ser1862Phe (NM_001256332.2); and 8 more; short protein forms S1862F, S1867F, S1874F, S1878F, S1881F, S1883F, S1885F, S1892F.
Identifiers: ClinVar variation 1311275 (VCV001311275.4), dbSNP rs2146296612, ClinGen allele CA400266322.
Genomic context (GRCh38, chr17:50,618,983, plus strand): 5'-ACAGCCCCGACAGCCCCAAGCCTGGGGCTCTGCACCCAGCGGCCCACGCGAGATCAGCCT[C>T]CCACTTTTCCCTGGAGCACCCCACGGTGAGCAGACACCCACCCCAGCCGTGAGAGGAGCT-3'
Protein context (NP_061496.2, residues 1909-1929): LHPAAHARSA[Ser1919Phe]HFSLEHPTDR